The following is an entry in ClinVar:

NM_000081.4(LYST):c.8328A>G (p.Ile2776Met)

Gene: LYST (lysosomal trafficking regulator; minus strand). Cytogenetic location: 1q42.3.
Variant type: single nucleotide variant.
Coding change: c.8328A>G on transcript NM_000081.4 (MANE Select); coding-DNA position 8328, A replaced by G.
Protein change: p.Ile2776Met; replaces isoleucine 2776 with methionine.
Molecular consequence: missense variant.
Genome position (GRCh38, 1-based): chr1:235,741,452, T>C on the plus strand (A>G on the coding strand, the complement: LYST is on the minus strand). VCF-style: chr1-235741452-T-C. GRCh37 (hg19) VCF-style: chr1-235904752-T-C.
Other names: c.8328A>G, p.Ile2776Met (NM_001301365.1); short protein forms I2776M.
Identifiers: ClinVar variation 647881 (VCV000647881.3), dbSNP rs2527622741, ClinGen allele CA344923274.

ClinVar aggregate classification (germline): Uncertain significance (1 of 4 stars; one submission).

Conditions:
Chédiak-Higashi syndrome (CHS). Also called: Chediak-Higashi Syndrome. Identifiers: Orphanet 167, MedGen C0007965, MONDO:0008963, OMIM 214500.

Submission:

Labcorp Genetics (formerly Invitae), Labcorp
Classification: Uncertain significance for Chédiak-Higashi syndrome. Last evaluated: 2021-08-24. Review status: criteria provided, single submitter. Criteria: Invitae Variant Classification Sherloc (09022015). Collection method: clinical testing. Allele origin: germline.
Comment: This sequence change replaces isoleucine with methionine at codon 2776 of the LYST protein (p.Ile2776Met). The isoleucine residue is moderately conserved and there is a small physicochemical difference between isoleucine and methionine. This variant is not present in population databases (ExAC no frequency). This variant has not been reported in the literature in individuals affected with LYST-related conditions. Algorithms developed to predict the effect of missense changes on protein structure and function are either unavailable or do not agree on the potential impact of this missense change (SIFT: "Tolerated"; PolyPhen-2: "Probably Damaging"; Align-GVGD: "Class C0"). In summary, the available evidence is currently insufficient to determine the role of this variant in disease. Therefore, it has been classified as a Variant of Uncertain Significance.